The following is an entry in ClinVar:

NM_005908.4(MANBA):c.2246T>A (p.Leu749His)

Gene: MANBA (mannosidase beta; minus strand). Cytogenetic location: 4q24.
Variant type: single nucleotide variant.
Coding change: c.2246T>A on transcript NM_005908.4 (MANE Select); coding-DNA position 2246, T replaced by A.
Protein change: p.Leu749His; replaces leucine 749 with histidine.
Molecular consequence: missense variant.
Genome position (GRCh38, 1-based): chr4:102,634,957, A>T on the plus strand (T>A on the coding strand, the complement: MANBA is on the minus strand). VCF-style: chr4-102634957-A-T. GRCh37 (hg19) VCF-style: chr4-103556114-A-T.
Other names: short protein forms L749H.
Identifiers: ClinVar variation 347084 (VCV000347084.14), dbSNP rs142248415, ClinGen allele CA3026663.

ClinVar aggregate classification (germline): Benign/Likely benign. Review status: criteria provided, multiple submitters, no conflicts (2 of 4 stars). 3 submissions from 3 submitters: Benign (1); Likely benign (1). 1 of the submissions does not count toward it. Last evaluated 2026-02-02.

Conditions:
MANBA-related disorder. Also called: MANBA-related condition.
Beta-D-mannosidosis (MANSB). Also called: LYSOSOMAL BETA-MANNOSIDASE DEFICIENCY; Beta-Mannosidosis; MANNOSIDOSIS, BETA A, LYSOSOMAL; BETA-MANNOSIDASE DEFICIENCY. Identifiers: Orphanet 118, MedGen C4048196, MONDO:0009562, OMIM 248510.

Allele frequency attached by ClinVar (database versions not stated): TOPMed 0.00124; ExAC 0.00205; gnomAD 0.00076; 1000 Genomes Project 30x 0.00312; 1000 Genomes Project 0.00339.
gnomAD v4.1: 1,226 of 1,614,220 alleles (0.076%); highest among the groups gnomAD compares: East Asian, 2.6%; 12 homozygotes.

Submissions (3):

Labcorp Genetics (formerly Invitae), Labcorp
Classification: Benign for Beta-D-mannosidosis. Last evaluated: 2026-02-02. Review status: criteria provided, single submitter. Criteria: Invitae Variant Classification Sherloc (09022015). Collection method: clinical testing. Allele origin: germline.

Illumina Laboratory Services, Illumina
Classification: Likely benign for Beta-D-mannosidosis. Last evaluated: 2017-04-27. Review status: criteria provided, single submitter. Criteria: ICSL Variant Classification Criteria 13 December 2019. Collection method: clinical testing. Allele origin: germline.
Comment: This variant was observed as part of a predisposition screen in an ostensibly healthy population. A literature search was performed for the gene, cDNA change, and amino acid change (where applicable). No publications were found based on this search. Allele frequency data from public databases allowed determination this variant is unlikely to cause disease. Therefore, this variant is classified as likely benign.

PreventionGenetics, part of Exact Sciences
Classification: Likely benign for MANBA-related condition. Last evaluated: 2020-09-29. Review status: no assertion criteria provided. Collection method: clinical testing. Allele origin: germline. Not counted in ClinVar's aggregate classification.
Comment: This variant is classified as likely benign based on ACMG/AMP sequence variant interpretation guidelines (Richards et al. 2015 PMID: 25741868, with internal and published modifications).